The following is an entry in ClinVar:

ClinVar aggregate classification (germline): Pathogenic (1 of 4 stars; one submission).

Conditions:
Intellectual developmental disorder with seizures and language delay (IDDSELD). Identifiers: MedGen C5436574, MONDO:0033559, OMIM 619000.

Submission:

Broad Center for Mendelian Genomics, Broad Institute of MIT and Harvard
Classification: Pathogenic for Intellectual developmental disorder with seizures and language delay. Last evaluated: 2026-03-05. Review status: criteria provided, single submitter. Criteria: ACMG Guidelines, 2015. Collection method: research. Allele origin: germline. Inheritance: Autosomal dominant inheritance. Study: GREGoR Consortium.
Comment: c.545-372A>G (SETDlB; NM_001353345.2; Chr12g.121807836A>G; GRCh38): The c.545-372A>G variant in SETDlB was confirmed de novo through trio whole genome sequencing in a child with global developmental delay, speech-language disorder, developmental coordination disorder, hypotonia, joint hypermobility, feeding difficulties, chronic constipation, complete AV block, and a methylation signature consistent with SETDlB-related neurodevelopmental syndrome (Broad Institute Rare Genomes Project). It was absent from large population studies. RNAseq analysis performed by the Broad Institute Rare Genomes Project on a blood sample from the individual carrying this variant confirmed the aberrant incorporation of an out-of-frame cryptic exon into the mature transcript. Loss of function of the SETDlB gene is an established disease mechanism in autosomal dominant intellectual developmental disorder with seizures and language delay. In summary, this variant meets criteria to be classified as pathogenic for autosomal dominant SETDlB-related neurodevelopmental disorder. ACMG/AMP Criteria applied: PVSl_Strong, PS2, PM2_Supporting.

NM_001353345.2(SETD1B):c.545-372A>G

Gene: SETD1B (SET domain containing 1B, histone lysine methyltransferase; plus strand). Cytogenetic location: 12q24.31.
Variant type: single nucleotide variant.
Coding change: c.545-372A>G on transcript NM_001353345.2 (MANE Select); 372 bases into the intron before coding-DNA position 545, A replaced by G.
Molecular consequence: intron variant.
Genome position (GRCh38, 1-based): chr12:121,807,836, A>G. VCF-style: chr12-121807836-A-G. GRCh37 (hg19) VCF-style: chr12-122245742-A-G.
Other names: NM_001353345.2:c.545-372A>G.
Identifiers: ClinVar variation 4819577 (VCV004819577.1).